The following is an entry in ClinVar:

NM_001384732.1(CPLANE1):c.88G>T (p.Glu30Ter)

Gene: CPLANE1 (ciliogenesis and planar polarity effector complex subunit 1; minus strand). Cytogenetic location: 5p13.2.
Variant type: single nucleotide variant.
Coding change: c.88G>T on transcript NM_001384732.1 (MANE Select); coding-DNA position 88, G replaced by T.
Protein change: p.Glu30Ter; replaces glutamic acid 30 with a stop codon.
Molecular consequence: nonsense.
Genome position (GRCh38, 1-based): chr5:37,245,839, C>A on the plus strand (G>T on the coding strand, the complement: CPLANE1 is on the minus strand). VCF-style: chr5-37245839-C-A. GRCh37 (hg19) VCF-style: chr5-37245941-C-A.
Other names: c.88G>T, p.Glu30Ter (NM_023073.4); short protein forms E30*.
Identifiers: ClinVar variation 1076603 (VCV001076603.7), dbSNP rs932952740, ClinGen allele CA117069449.

ClinVar aggregate classification (germline): Pathogenic (1 of 4 stars; one submission).

Allele frequency attached by ClinVar (database versions not stated): gnomAD exomes below 0.00001; TOPMed 0.00001.
gnomAD v4.1: 2 of 1,510,506 alleles (0.00013%); highest among the groups gnomAD compares: Non-Finnish European, 0.00018%; no homozygotes.

Submission:

Labcorp Genetics (formerly Invitae), Labcorp
Classification: Pathogenic. Last evaluated: 2022-01-15. Review status: criteria provided, single submitter. Criteria: Invitae Variant Classification Sherloc (09022015). Collection method: clinical testing. Allele origin: germline.
Comment: For these reasons, this variant has been classified as Pathogenic. ClinVar contains an entry for this variant (Variation ID: 1076603). This variant has not been reported in the literature in individuals affected with CPLANE1-related conditions. This variant is not present in population databases (gnomAD no frequency). This sequence change creates a premature translational stop signal (p.Glu30*) in the CPLANE1 gene. It is expected to result in an absent or disrupted protein product. Loss-of-function variants in CPLANE1 are known to be pathogenic (PMID: 24178751, 26092869).

Literature cited by the submitters: PubMed 24178751; PubMed 26092869.